The following is an entry in ClinVar:

NM_025114.4(CEP290):c.6398C>T (p.Thr2133Ile)

Gene: CEP290 (centrosomal protein 290; minus strand). Cytogenetic location: 12q21.32.
Variant type: single nucleotide variant.
Coding change: c.6398C>T on transcript NM_025114.4 (MANE Select); coding-DNA position 6398, C replaced by T.
Protein change: p.Thr2133Ile; replaces threonine 2133 with isoleucine.
Molecular consequence: missense variant.
Genome position (GRCh38, 1-based): chr12:88,060,954, G>A on the plus strand (C>T on the coding strand, the complement: CEP290 is on the minus strand). VCF-style: chr12-88060954-G-A. GRCh37 (hg19) VCF-style: chr12-88454731-G-A.
Other names: short protein forms T2133I.
Identifiers: ClinVar variation 4983296 (VCV004983296.1).

ClinVar aggregate classification (germline): Uncertain significance (1 of 4 stars; one submission).

Conditions:
CEP290-related disorder. Also called: CEP290-related condition; CEP290-related disorders. Identifiers: MedGen CN239314.

gnomAD v4.1: 17 of 1,560,870 alleles (0.0011%); highest among the groups gnomAD compares: South Asian, 0.019%; no homozygotes.

Submission:

PreventionGenetics, part of Exact Sciences
Classification: Uncertain significance for CEP290-related condition. Last evaluated: 2026-03-06. Review status: criteria provided, single submitter. Criteria: ACMG Guidelines, 2015. Collection method: clinical testing. Allele origin: germline.
Comment: The CEP290 c.6398C>T variant is predicted to result in the amino acid substitution p.Thr2133Ile. To our knowledge, this variant has not been reported in the literature. This variant is reported in 0.018% of alleles in individuals of South Asian descent in gnomAD. At this time, the clinical significance of this variant is uncertain due to the absence of conclusive functional and genetic evidence.